The following is an entry in ClinVar:

NM_001048166.1(STIL):c.187C>T (p.Arg63Ter)

Gene: STIL (STIL centriolar assembly protein; minus strand). Cytogenetic location: 1p33.
Variant type: single nucleotide variant.
Coding change: c.187C>T on transcript NM_001048166.1 (MANE Select); coding-DNA position 187, C replaced by T.
Protein change: p.Arg63Ter; replaces arginine 63 with a stop codon.
Molecular consequence: nonsense.
Genome position (GRCh38, 1-based): chr1:47,302,312, G>A on the plus strand (C>T on the coding strand, the complement: STIL is on the minus strand). VCF-style: chr1-47302312-G-A. GRCh37 (hg19) VCF-style: chr1-47767984-G-A.
Other names: c.187C>T, p.Arg63Ter (NM_001282936.1, NM_001282937.1, NM_001282938.1 and 3 more transcripts); short protein forms R63*.
Identifiers: ClinVar variation 2631704 (VCV002631704.1), dbSNP rs755837661, ClinGen allele CA842661.
Genomic context (GRCh38, chr1:47,302,312, plus strand): 5'-AACCAAGTAAAAAGCATGACGAATTTTTTTTATTCTGCTTAGCATGACGATAAGCAAGTC[G>A]GATGGTCTTCTCAGTCACCACAAGCTTTGGATTTCTGAAAAACAACAAGTCTTTTATGAA-3'

ClinVar aggregate classification (germline): Likely pathogenic (1 of 4 stars; one submission).

Conditions:
STIL-related disorder. Also called: STIL-related condition.

Allele frequency attached by ClinVar (database versions not stated): gnomAD exomes below 0.00001; ExAC 0.00001.
gnomAD v4.1: 2 of 1,613,990 alleles (0.00012%); highest among the groups gnomAD compares: Admixed American, 0.0017%; no homozygotes.

Submission:

PreventionGenetics, part of Exact Sciences
Classification: Likely pathogenic for STIL-related condition. Last evaluated: 2023-08-08. Review status: criteria provided, single submitter. Criteria: ACMG Guidelines, 2015. Collection method: clinical testing. Allele origin: germline.
Comment: The STIL c.187C>T variant is predicted to result in premature protein termination (p.Arg63*). To our knowledge, this variant has not been reported in the literature. This variant is reported in 0.0029% of alleles in individuals of Latino descent in gnomAD. Nonsense variants in STIL are expected to be pathogenic. This variant is interpreted as likely pathogenic.